The following is an entry in ClinVar:

NM_022489.4(INF2):c.365A>G (p.Gln122Arg)

Gene: INF2 (inverted formin 2; plus strand). Cytogenetic location: 14q32.33.
Variant type: single nucleotide variant.
Coding change: c.365A>G on transcript NM_022489.4 (MANE Select); coding-DNA position 365, A replaced by G.
Protein change: p.Gln122Arg; replaces glutamine 122 with arginine.
Molecular consequence: missense variant.
Genome position (GRCh38, 1-based): chr14:104,701,730, A>G. VCF-style: chr14-104701730-A-G. GRCh37 (hg19) VCF-style: chr14-105168067-A-G.
Other names: c.365A>G, p.Gln122Arg (NM_001031714.4, NM_032714.3); short protein forms Q122R.
Identifiers: ClinVar variation 1933904 (VCV001933904.6), dbSNP rs567356266, ClinGen allele CA7372270.
Genomic context (GRCh38, chr14:104,701,730, plus strand): 5'-TCAGCTGCGTGCGCGCCGTCATGAACTCGCGGCAGGGCATCGAGTACATCCTCAGCAACC[A>G]GGGCTACGTGCGCCAGCTCTCCCAGGGTGAGCCGCAGTGTGGGAGGGCCGCCCAGGCGGA-3'
Protein context (NP_071934.3, residues 112-132): RQGIEYILSN[Gln122Arg]GYVRQLSQAL

ClinVar aggregate classification (germline): Conflicting classifications of pathogenicity. Review status: criteria provided, conflicting classifications (1 of 4 stars). 2 submissions from 2 submitters: Uncertain significance (1); Likely benign (1). Last evaluated 2025-07-27.

Conditions:
Focal segmental glomerulosclerosis 5 (FSGS5). Identifiers: Orphanet 656, MedGen C2750475, MONDO:0013191, OMIM 613237.
Charcot-Marie-Tooth disease dominant intermediate E. Also called: CHARCOT-MARIE-TOOTH NEUROPATHY WITH FOCAL SEGMENTAL GLOMERULONEPHRITIS. Identifiers: Orphanet 93114, MedGen C4302667, MONDO:0013758, OMIM 614455.

Allele frequency attached by ClinVar (database versions not stated): gnomAD 0.00001; TOPMed 0.00001; gnomAD exomes 0.00002; ExAC 0.00021; 1000 Genomes Project 30x 0.00031; 1000 Genomes Project 0.00040.

Submissions (2):

Labcorp Genetics (formerly Invitae), Labcorp
Classification: Likely benign for Charcot-Marie-Tooth disease dominant intermediate E; Focal segmental glomerulosclerosis 5. Last evaluated: 2025-07-27. Review status: criteria provided, single submitter. Criteria: Invitae Variant Classification Sherloc (09022015). Collection method: clinical testing. Allele origin: germline.

Neuberg Centre For Genomic Medicine, NCGM
Classification: Uncertain significance for Charcot-Marie-Tooth disease dominant intermediate E. Last evaluated: 2023-06-22. Review status: criteria provided, single submitter. Criteria: ACMG Guidelines, 2015. Collection method: clinical testing. Allele origin: germline. Inheritance: Autosomal dominant inheritance. Affected: yes.
Comment: The observed missense variant c.365A>Gp.Gln122Arg in INF2 gene has not been reported previously as a pathogenic variant nor as a benign variant, to our knowledge. The c.365A>Gp.Gln122Arg variant is reported with 0.002% allele frequency in gnomAD Exomes. This variant has been reported to the ClinVar database as Uncertain Significance. However, no details are available for independent assessment.The amino acid Gln at position 122 is changed to a Arg changing protein sequence and it might alter its composition and physico-chemical properties. This variant has been reported to the ClinVar database as Uncertain Significance. Computational evidence Polyphen-possibly damaging, SIFT-Tolerated and Mutation Taster-disease causing predicts conflicting evidence on protein structure and function for this variant.The reference amino acid p.Gln122Arg in INF2 is predicted as conserved by GERP++ and PhyloP across 100 vertebrates. For these reasons, this variant has been classified as Uncertain Sgnificance.